The following is an entry in ClinVar:

NM_018136.5(ASPM):c.9492T>G (p.Tyr3164Ter)

Gene: ASPM (assembly factor for spindle microtubules; minus strand). Cytogenetic location: 1q31.3.
Variant type: single nucleotide variant.
Coding change: c.9492T>G on transcript NM_018136.5 (MANE Select); coding-DNA position 9492, T replaced by G.
Protein change: p.Tyr3164Ter; replaces tyrosine 3164 with a stop codon.
Molecular consequence: nonsense.
Genome position (GRCh38, 1-based): chr1:197,090,994, A>C on the plus strand (T>G on the coding strand, the complement: ASPM is on the minus strand). VCF-style: chr1-197090994-A-C. GRCh37 (hg19) VCF-style: chr1-197060124-A-C.
Other names: c.4737T>G, p.Tyr1579Ter (NM_001206846.2); short protein forms Y3164*, Y1579*.
Identifiers: ClinVar variation 21626 (VCV000021626.4), dbSNP rs143931757, ClinGen allele CA342297.

ClinVar aggregate classification (germline): Pathogenic. Review status: criteria provided, single submitter (1 of 4 stars). 2 submissions from 2 submitters: Pathogenic (1). 1 of the submissions does not count toward it. Last evaluated 2022-01-03.

Conditions:
Microcephaly 5, primary, autosomal recessive (MCPH5). Also called: ASPM Primary Microcephaly. Identifiers: Orphanet 2512, MedGen C1837501, MONDO:0012106, OMIM 608716.

gnomAD v4.1: 1 of 1,612,370 alleles (0.000062%); highest among the groups gnomAD compares: South Asian, 0.0011%; no homozygotes.

Submissions (2):

3billion
Classification: Pathogenic for Microcephaly 5, primary, autosomal recessive. Last evaluated: 2022-01-03. Review status: criteria provided, single submitter. Criteria: ACMG Guidelines, 2015. Collection method: clinical testing. Allele origin: germline. Affected: yes. Observed: 1 homozygote.
Comment: Stop-gained (nonsense): predicted to result in a loss or disruption of normal protein function through nonsense-mediated decay (NMD) or protein truncation. Multiple pathogenic variants are reported downstream of the variant (PVS1_VS).The variant has been reported to be associated with ASPM related disorder (PMID:19353628). It is not observed in the gnomAD v2.1.1 dataset (PM2_M). Therefore, this variant is classified as pathogenic according to the recommendation of ACMG/AMP guideline.

GeneReviews
No classification provided. Condition: Microcephaly 5, primary, autosomal recessive. Review status: no classification provided. Collection method: literature only. Allele origin: unknown. Not counted in ClinVar's aggregate classification.

Literature cited by the submitters: PubMed 19353628 (cited by 3billion); PubMed 20301772 (cited by GeneReviews); NCBI Bookshelf NBK9587 (cited by GeneReviews).